The following is an entry in ClinVar:

NM_001080397.3(SLC45A1):c.-43C>G

Genes: SLC45A1 (solute carrier family 45 member 1; plus strand), LOC129929288 (ATAC-STARR-seq lymphoblastoid silent region 194; plus strand). Cytogenetic location: 1p36.23.
Variant type: single nucleotide variant.
Coding change: c.-43C>G on transcript NM_001080397.3 (MANE Select); 43 bases upstream of the start codon, C replaced by G.
Molecular consequence: 5 prime UTR variant.
Genome position (GRCh38, 1-based): chr1:8,318,168, C>G. VCF-style: chr1-8318168-C-G. GRCh37 (hg19) VCF-style: chr1-8378228-C-G.
Identifiers: ClinVar variation 727086 (VCV000727086.41), dbSNP rs542217083, ClinGen allele CA569968.

ClinVar aggregate classification (germline): Benign/Likely benign. Review status: criteria provided, multiple submitters, no conflicts (2 of 4 stars). 2 submissions from 2 submitters: Benign (1); Likely benign (1). Last evaluated 2022-06-01.

Allele frequency attached by ClinVar (database versions not stated): 1000 Genomes Project 0.00020; 1000 Genomes Project 30x 0.00109; TOPMed 0.00123; gnomAD 0.00312 and 0.00327; gnomAD exomes 0.00448 and 0.01622; ExAC 0.00815.
gnomAD v4.1: 1,764 of 445,114 alleles (0.4%); highest among the groups gnomAD compares: Non-Finnish European, 0.25%; 11 homozygotes.

Submissions (2):

CeGaT Center for Human Genetics Tuebingen
Classification: Likely benign. Last evaluated: 2022-06-01. Review status: criteria provided, single submitter. Criteria: CeGaT Center For Human Genetics Tuebingen Variant Classification Criteria Version 2. Collection method: clinical testing. Allele origin: germline. Affected: yes. Observed: 2 variant alleles.
Comment: SLC45A1: BP4, BP7

Labcorp Genetics (formerly Invitae), Labcorp
Classification: Benign. Last evaluated: 2019-12-31. Review status: criteria provided, single submitter. Criteria: Invitae Variant Classification Sherloc (09022015). Collection method: clinical testing. Allele origin: germline.